The following is an entry in ClinVar:

NM_016734.3(PAX5):c.287T>A (p.Val96Glu)

Gene: PAX5 (paired box 5; minus strand). Cytogenetic location: 9p13.2.
Variant type: single nucleotide variant.
Coding change: c.287T>A on transcript NM_016734.3 (MANE Select); coding-DNA position 287, T replaced by A.
Protein change: p.Val96Glu; replaces valine 96 with glutamic acid.
Molecular consequence: missense variant. On other transcripts: 5 prime UTR variant (2), non-coding transcript variant (2), intron variant (1).
Genome position (GRCh38, 1-based): chr9:37,015,120, A>T on the plus strand (T>A on the coding strand, the complement: PAX5 is on the minus strand). VCF-style: chr9-37015120-A-T. GRCh37 (hg19) VCF-style: chr9-37015117-A-T.
Other names: c.287T>A, p.Val96Glu (NM_001280547.2, NM_001280548.2, NM_001280549.2 and 4 more transcripts); c.-38T>A (NM_001280551.2, NM_001280556.2); c.212+5516T>A (NM_001280555.2); short protein forms V96E.
Identifiers: ClinVar variation 4861603 (VCV004861603.1).

ClinVar aggregate classification (germline): Uncertain significance (1 of 4 stars; one submission).

Conditions:
Inborn genetic diseases. Identifiers: MedGen C0950123, MeSH D030342.

Submission:

Ambry Genetics
Classification: Uncertain significance for Inborn genetic diseases. Last evaluated: 2026-04-09. Review status: criteria provided, single submitter. Criteria: Ambry Variant Classification Scheme 2023. Collection method: clinical testing. Allele origin: germline.
Comment: The p.V96E variant (also known as c.287T>A), located in coding exon 3 of the PAX5 gene, results from a T to A substitution at nucleotide position 287. The valine at codon 96 is replaced by glutamic acid, an amino acid with dissimilar properties. This amino acid position is conserved. In addition, this alteration is predicted to be deleterious by in silico analysis. Based on the available evidence, the clinical significance of this variant remains unclear.